The following is an entry in ClinVar:

ClinVar aggregate classification (germline): Uncertain significance (1 of 4 stars; one submission).

Allele frequency attached by ClinVar (database versions not stated): gnomAD exomes below 0.00001; ExAC 0.00001; TOPMed 0.00002; gnomAD 0.00003; ESP Exome Variant Server 0.00008.
gnomAD v4.1: 8 of 1,614,056 alleles (0.0005%); highest among the groups gnomAD compares: African/African-American, 0.011%; no homozygotes.

Submission:

Labcorp Genetics (formerly Invitae), Labcorp
Classification: Uncertain significance. Last evaluated: 2023-10-17. Review status: criteria provided, single submitter. Criteria: Invitae Variant Classification Sherloc (09022015). Collection method: clinical testing. Allele origin: germline.
Comment: This sequence change replaces glutamine, which is neutral and polar, with arginine, which is basic and polar, at codon 2866 of the ANK3 protein (p.Gln2866Arg). This variant is present in population databases (rs375040820, gnomAD 0.02%). This variant has not been reported in the literature in individuals affected with ANK3-related conditions. Advanced modeling of protein sequence and biophysical properties (such as structural, functional, and spatial information, amino acid conservation, physicochemical variation, residue mobility, and thermodynamic stability) performed at Invitae indicates that this missense variant is not expected to disrupt ANK3 protein function. In summary, the available evidence is currently insufficient to determine the role of this variant in disease. Therefore, it has been classified as a Variant of Uncertain Significance.

NM_020987.5(ANK3):c.8597A>G (p.Gln2866Arg)

Gene: ANK3 (ankyrin 3; minus strand). Cytogenetic location: 10q21.2.
Variant type: single nucleotide variant.
Coding change: c.8597A>G on transcript NM_020987.5 (MANE Select); coding-DNA position 8597, A replaced by G.
Protein change: p.Gln2866Arg; replaces glutamine 2866 with arginine.
Molecular consequence: missense variant. On other transcripts: intron variant (4).
Genome position (GRCh38, 1-based): chr10:60,072,284, T>C on the plus strand (A>G on the coding strand, the complement: ANK3 is on the minus strand). VCF-style: chr10-60072284-T-C. GRCh37 (hg19) VCF-style: chr10-61832042-T-C.
Other names: c.4388-4275A>G (NM_001204403.2); c.4409-4275A>G (NM_001204404.2); c.4406-4275A>G (NM_001320874.2); c.1808-4275A>G (NM_001149.4); short protein forms Q2866R.
Identifiers: ClinVar variation 2957446 (VCV002957446.3), dbSNP rs375040820, ClinGen allele CA5511521.